The following is an entry in ClinVar:

NM_001999.4(FBN2):c.785G>A (p.Arg262Gln)

Gene: FBN2 (fibrillin 2; minus strand). Cytogenetic location: 5q23.3.
Variant type: single nucleotide variant.
Coding change: c.785G>A on transcript NM_001999.4 (MANE Select); coding-DNA position 785, G replaced by A.
Protein change: p.Arg262Gln; replaces arginine 262 with glutamine.
Molecular consequence: missense variant.
Genome position (GRCh38, 1-based): chr5:128,464,765, C>T on the plus strand (G>A on the coding strand, the complement: FBN2 is on the minus strand). VCF-style: chr5-128464765-C-T. GRCh37 (hg19) VCF-style: chr5-127800458-C-T.
Other names: short protein forms R262Q.
Identifiers: ClinVar variation 1693053 (VCV001693053.5), dbSNP rs763997393, ClinGen allele CA3396008.

ClinVar aggregate classification (germline): Conflicting classifications of pathogenicity. Review status: criteria provided, conflicting classifications (1 of 4 stars). 3 submissions from 3 submitters: Uncertain significance (2); Benign (1). Last evaluated 2025-09-22.

Conditions:
Congenital contractural arachnodactyly (CCA). Also called: BEALS SYNDROME; Beals-Hecht syndrome; Arthrogryposis, distal, type 9. Identifiers: Orphanet 115, MedGen C0220668, MONDO:0007363, OMIM 121050.
Familial thoracic aortic aneurysm and aortic dissection (TAAD). Also called: Thoracic aortic aneurysms and dissections. Identifiers: Orphanet 91387, MedGen C4707243, MONDO:0019625.

Allele frequency attached by ClinVar (database versions not stated): ExAC 0.00001; gnomAD 0.00002; TOPMed 0.00003.
gnomAD v4.1: 23 of 1,613,936 alleles (0.0014%); highest among the groups gnomAD compares: East Asian, 0.0022%; no homozygotes.

Submissions (3):

Labcorp Genetics (formerly Invitae), Labcorp
Classification: Benign for Congenital contractural arachnodactyly. Last evaluated: 2025-09-22. Review status: criteria provided, single submitter. Criteria: Invitae Variant Classification Sherloc (09022015). Collection method: clinical testing. Allele origin: germline.

GeneDx
Classification: Uncertain significance. Last evaluated: 2023-02-08. Review status: criteria provided, single submitter. Criteria: GeneDx Variant Classification Process June 2021. Collection method: clinical testing. Allele origin: germline. Affected: yes.
Comment: Not observed at a significant frequency in large population cohorts (gnomAD); In silico analysis supports that this missense variant has a deleterious effect on protein structure/function; Has not been previously published as pathogenic or benign to our knowledge

Ambry Genetics
Classification: Uncertain significance for Familial thoracic aortic aneurysm and aortic dissection. Last evaluated: 2022-11-09. Review status: criteria provided, single submitter. Criteria: Ambry Variant Classification Scheme 2023. Collection method: clinical testing. Allele origin: germline.
Comment: The p.R262Q variant (also known as c.785G>A), located in coding exon 6 of the FBN2 gene, results from a G to A substitution at nucleotide position 785. The arginine at codon 262 is replaced by glutamine, an amino acid with highly similar properties. This amino acid position is highly conserved in available vertebrate species. In addition, the in silico prediction for this alteration is inconclusive. Since supporting evidence is limited at this time, the clinical significance of this alteration remains unclear.